The following is an entry in ClinVar:

ClinVar aggregate classification (germline): Conflicting classifications of pathogenicity. Review status: criteria provided, conflicting classifications (1 of 4 stars). 7 submissions from 7 submitters: Uncertain significance (1); Benign (2); Likely benign (2). 2 of the submissions do not count toward it. Last evaluated 2026-08-01.

Conditions:
YARS2-related disorder. Also called: YARS2-related condition.
Myopathy, lactic acidosis, and sideroblastic anemia 2 (MLASA2). Identifiers: Orphanet 2598, MedGen C3150802, MONDO:0013307, OMIM 613561.

Allele frequency attached by ClinVar (database versions not stated): 1000 Genomes Project 30x 0.00125; 1000 Genomes Project 0.00140; TOPMed 0.00150; ESP Exome Variant Server 0.00169.
gnomAD v4.1: 2,223 of 1,614,140 alleles (0.14%); highest among the groups gnomAD compares: African/African-American, 0.22%; 5 homozygotes.

Submissions (7):

CeGaT Center for Human Genetics Tuebingen
Classification: Likely benign. Last evaluated: 2026-08-01. Review status: criteria provided, single submitter. Criteria: CeGaT Center For Human Genetics Tuebingen Variant Classification Criteria Version 2. Collection method: clinical testing. Allele origin: germline. Affected: yes. Observed: 9 variant alleles.
Comment: YARS2: BP4, BP7

Labcorp Genetics (formerly Invitae), Labcorp
Classification: Benign. Last evaluated: 2026-01-27. Review status: criteria provided, single submitter. Criteria: Invitae Variant Classification Sherloc (09022015). Collection method: clinical testing. Allele origin: germline.

Blueprint Genetics
Classification: Likely benign. Last evaluated: 2024-10-01. Review status: criteria provided, single submitter. Criteria: ACMG Guidelines, 2015. Collection method: clinical testing. Allele origin: germline.

Illumina Laboratory Services, Illumina
Classification: Uncertain significance for Myopathy, lactic acidosis, and sideroblastic anemia 2. Last evaluated: 2018-01-12. Review status: criteria provided, single submitter. Criteria: ICSL Variant Classification Criteria 13 December 2019. Collection method: clinical testing. Allele origin: germline.

GeneDx
Classification: Benign. Last evaluated: 2015-05-14. Review status: criteria provided, single submitter. Criteria: GeneDx Variant Classification (06012015). Collection method: clinical testing. Allele origin: germline. Affected: yes.
Comment: This variant is considered likely benign or benign based on one or more of the following criteria: it is a conservative change, it occurs at a poorly conserved position in the protein, it is predicted to be benign by multiple in silico algorithms, and/or has population frequency not consistent with disease.

PreventionGenetics, part of Exact Sciences
Classification: Likely benign for YARS2-related condition. Last evaluated: 2019-05-01. Review status: no assertion criteria provided. Collection method: clinical testing. Allele origin: germline. Not counted in ClinVar's aggregate classification.
Comment: This variant is classified as likely benign based on ACMG/AMP sequence variant interpretation guidelines (Richards et al. 2015 PMID: 25741868, with internal and published modifications).

Mayo Clinic Laboratories, Mayo Clinic
Classification: Likely benign. Last evaluated: 2017-06-01. Review status: no assertion criteria provided. Collection method: clinical testing. Allele origin: unknown. Not counted in ClinVar's aggregate classification.

NM_001040436.3(YARS2):c.930G>A (p.Pro310=)

Gene: YARS2 (tyrosyl-tRNA synthetase 2; minus strand). Cytogenetic location: 12p11.21.
Variant type: single nucleotide variant.
Coding change: c.930G>A on transcript NM_001040436.3 (MANE Select); coding-DNA position 930, G replaced by A.
Protein change: p.Pro310=; no amino-acid change (proline 310 retained).
Molecular consequence: synonymous variant.
Genome position (GRCh38, 1-based): chr12:32,753,935, C>T on the plus strand (G>A on the coding strand, the complement: YARS2 is on the minus strand). VCF-style: chr12-32753935-C-T. GRCh37 (hg19) VCF-style: chr12-32906869-C-T.
Identifiers: ClinVar variation 308455 (VCV000308455.55), dbSNP rs147551647, ClinGen allele CA6508065.